The following is an entry in ClinVar:

NM_000059.4(BRCA2):c.5645C>A (p.Ser1882Ter)

Gene: BRCA2 (BRCA2 DNA repair associated; plus strand). Cytogenetic location: 13q13.1.
Variant type: single nucleotide variant.
Coding change: c.5645C>A on transcript NM_000059.4 (MANE Select); coding-DNA position 5645, C replaced by A.
Protein change: p.Ser1882Ter; replaces serine 1882 with a stop codon.
Molecular consequence: nonsense.
Genome position (GRCh38, 1-based): chr13:32,340,000, C>A. VCF-style: chr13-32340000-C-A. GRCh37 (hg19) VCF-style: chr13-32914137-C-A.
Other names: p.S1882*:TCA>TAA; 5873C>A; short protein forms S1882*.
Identifiers: ClinVar variation 37984 (VCV000037984.113), dbSNP rs80358785, ClinGen allele CA022818.

ClinVar aggregate classification (germline): Pathogenic. Review status: reviewed by expert panel (3 of 4 stars). 50 submissions from 49 submitters: Pathogenic (1). 49 of the submissions do not count toward it. Last evaluated 2016-04-22.

Conditions:
Metastatic Prostate Small Cell Carcinoma. Identifiers: MedGen C4763838.
Prostate cancer. Also called: Malignant tumor of prostate. Identifiers: Orphanet 1331, MedGen C0376358, MONDO:0008315, HP:0012125.
BRCA2-related disorder. Also called: BRCA2-related condition; BRCA2-related disorders. Identifiers: MedGen CN239275.
Wilms tumor 1 (WT1). Also called: Wilms tumor, somatic. Identifiers: Orphanet 654, MedGen CN033288, MONDO:0008679, OMIM 194070.
Medulloblastoma (MDB). Also called: Medulloblastoma, somatic; MEDULLOBLASTOMA PREDISPOSITION SYNDROME. Identifiers: Orphanet 616, MedGen C0025149, MeSH D008527, MONDO:0007959, OMIM 155255, HP:0002885.
Breast-ovarian cancer, familial, susceptibility to, 2 (BROVCA2). Also called: BRCA2 Hereditary Breast and Ovarian Cancer. Identifiers: Orphanet 145, MedGen C2675520, MONDO:0012933, OMIM 612555. Disease mechanism: loss of function.
Familial cancer of breast. Also called: Hereditary breast cancer; hereditary breast carcinoma; BREAST CANCER, FAMILIAL. Identifiers: Orphanet 227535, MedGen C0346153, MONDO:0016419, OMIM 114480. Disease mechanism: loss of function.
Glioma susceptibility 3 (GLM3). Also called: Glioblastoma 3. Identifiers: Orphanet 182067, Orphanet 360, MedGen C2751641, MONDO:0013093, OMIM 613029.
Pancreatic cancer, susceptibility to, 2. Identifiers: Orphanet 1333, MedGen C3150546, MONDO:0013235, OMIM 613347.
Fanconi anemia complementation group D1. Also called: BRCA2-Related Fanconi Anemia. Identifiers: Orphanet 319462, MedGen C1838457, MONDO:0011584, OMIM 605724.
BRCA2-related cancer predisposition. Identifiers: MedGen CN377758, MONDO:0700269.
Breast and/or ovarian cancer. Identifiers: MedGen CN221562.
Hereditary cancer-predisposing syndrome. Also called: Neoplastic Syndromes, Hereditary; Hereditary neoplastic syndrome; Hereditary Cancer Syndrome; Tumor predisposition. Identifiers: Orphanet 140162, MedGen C0027672, MeSH D009386, MONDO:0015356.
Gastric cancer. Also called: Malignant tumor of stomach; Stomach cancer. Identifiers: MedGen C0024623, MeSH D013274, MONDO:0001056, OMIM 613659, HP:0012126.
Breast neoplasm. Also called: Breast Neoplasms; Neoplasm of breast; Breast tumor; Neoplasm of the breast. Identifiers: MedGen C1458155, MeSH D001943, MONDO:0021100, HP:0100013. Disease mechanism: gain of function.
Hereditary breast ovarian cancer syndrome. Also called: Hereditary breast and ovarian cancer syndrome (HBOC); Breast and ovarian cancer; BRCA1- and BRCA2-Associated Hereditary Breast and Ovarian Cancer; Hereditary breast and ovarian cancer syndrome; Hereditary breast and ovarian cancer; Hereditary breast and/or ovarian cancer syndrome. Identifiers: Orphanet 145, MedGen C0677776, MeSH D061325, MONDO:0003582. Disease mechanism: loss of function.
Ovarian neoplasm. Also called: Ovarian Neoplasms; Ovarian tumor; Neoplasm of ovary. Identifiers: MedGen C0919267, MeSH D010051, MONDO:0021068, HP:0100615.
Breast carcinoma. Also called: Carcinoma of breast. Identifiers: MedGen C0678222, MONDO:0004989, HP:0003002.

Allele frequency attached by ClinVar (database versions not stated): gnomAD exomes 0.00002 and 0.00001; TOPMed 0.00001; ExAC 0.00002.
gnomAD v4.1: 12 of 1,612,490 alleles (0.00074%); highest among the groups gnomAD compares: East Asian, 0.0022%; no homozygotes.

Submissions 1 to 8 of 50:

Evidence-based Network for the Interpretation of Germline Mutant Alleles (ENIGMA)
Classification: Pathogenic for Breast-ovarian cancer, familial, susceptibility to, 2. Last evaluated: 2016-04-22. Review status: reviewed by expert panel. Criteria: ENIGMA BRCA1/2 Classification Criteria (2015). Collection method: curation. Allele origin: germline.
Comment: Variant allele predicted to encode a truncated non-functional protein.

KCCC/NGS Laboratory, Kuwait Cancer Control Center
Classification: Pathogenic for Breast-ovarian cancer, familial, susceptibility to, 2. Last evaluated: 2026-07-06. Review status: criteria provided, single submitter. Criteria: ACMG Guidelines, 2015. Collection method: clinical testing. Allele origin: germline. Inheritance: Autosomal dominant inheritance. Affected: yes. Not counted in ClinVar's aggregate classification.
Comment: A known pathogenic mutation was detected in BRCA2 gene

CeGaT Center for Human Genetics Tuebingen
Classification: Pathogenic. Last evaluated: 2026-06-01. Review status: criteria provided, single submitter. Criteria: CeGaT Center For Human Genetics Tuebingen Variant Classification Criteria Version 2. Collection method: clinical testing. Allele origin: germline. Affected: yes. Observed: 6 variant alleles. Not counted in ClinVar's aggregate classification.
Comment: BRCA2: PVS1, PM2, PS4:Moderate

Labcorp Genetics (formerly Invitae), Labcorp
Classification: Pathogenic for Hereditary breast ovarian cancer syndrome. Last evaluated: 2026-01-05. Review status: criteria provided, single submitter. Criteria: Invitae Variant Classification Sherloc (09022015). Collection method: clinical testing. Allele origin: germline. Not counted in ClinVar's aggregate classification.
Comment: This sequence change creates a premature translational stop signal (p.Ser1882*) in the BRCA2 gene. It is expected to result in an absent or disrupted protein product. Loss-of-function variants in BRCA2 are known to be pathogenic (PMID: 20104584). This variant is present in population databases (rs80358785, gnomAD 0.006%). This premature translational stop signal has been observed in individual(s) with breast, ovarian and prostate cancer (PMID: 15024741, 21952622, 22144684, 22535016, 22666503). This variant is also known as 5873C>A. ClinVar contains an entry for this variant (Variation ID: 37984). For these reasons, this variant has been classified as Pathogenic.

Center for Genomic Medicine, Rigshospitalet, Copenhagen University Hospital
Classification: Pathogenic. Last evaluated: 2025-12-29. Review status: criteria provided, single submitter. Criteria: ACMG Guidelines, 2015. Collection method: clinical testing. Allele origin: germline. Not counted in ClinVar's aggregate classification.
Comment: Classification criteria: PVS1, PM5_strong

Color Diagnostics, LLC DBA Color Health
Classification: Pathogenic for Hereditary cancer-predisposing syndrome. Last evaluated: 2025-11-17. Review status: criteria provided, single submitter. Criteria: ACMG Guidelines, 2015. Collection method: clinical testing. Allele origin: germline. Not counted in ClinVar's aggregate classification.
Comment: This variant changes 1 nucleotide in exon 11 of the BRCA2 gene, creating a premature translation stop signal. This variant is expected to result in an absent or non-functional protein product. This variant has been reported in at least 12 individuals affected with breast and/or ovarian cancer (PMID: 15024741, 15689453, 20104584, 22535016, 22666503, 26439132, 27257965, 28039656, 28724667, 30287823, 33471991Leiden Open Variation Database DB-ID BRCA2_000141) and four individuals affected with prostate cancer (PMID: 27433846, 31214711). This variant also has been reported in two siblings who were compound heterozygous carriers with a second pathogenic BRCA2 variant and were both affected with Wilms tumor (PMID: 15689453). Multifactorial analysis reached a combined likelihood ratio (LR) of 1366.276 based on case-control data and personal and family history for 9 carriers (PMID: 31853058, 40413188). This variant has been identified in 4/249416 chromosomes in the general population by the Genome Aggregation Database (gnomAD). Loss of BRCA2 function is a known mechanism of disease. Based on the available evidence, this variant is classified as Pathogenic.

Quest Diagnostics Nichols Institute San Juan Capistrano
Classification: Pathogenic. Last evaluated: 2025-09-05. Review status: criteria provided, single submitter. Criteria: Quest Diagnostics criteria. Collection method: clinical testing. Allele origin: unknown. Not counted in ClinVar's aggregate classification.
Comment: The BRCA2 c.5645C>A (p.Ser1882*) variant causes the premature termination of BRCA2 protein synthesis. This variant has been reported in the published literature in individuals with breast cancer, including male breast cancer, or prostate cancer (PMID: 40205657 (2025), 36456130 (2024), 33918338 (2020), 27433846 (2016), 22666503 (2012)). The frequency of this variant in the general population (Genome Aggregation Database) is consistent with pathogenicity. Based on the available information, this variant is classified as pathogenic.

Helix
Classification: Pathogenic for Breast-ovarian cancer, familial, susceptibility to, 2. Last evaluated: 2025-07-03. Review status: criteria provided, single submitter. Criteria: ACMG Guidelines, 2015. Collection method: clinical testing. Allele origin: germline. Inheritance: Autosomal dominant inheritance. Not counted in ClinVar's aggregate classification.
Comment: This variant (NM_000059.4:c.5645C>A p.Ser1882Ter) results in the creation of a premature stop codon in the BRCA2 gene. It is predicted to result in nonsense-mediated mRNA decay or in the production of a truncated protein, leading to loss-of-function (LOF). LOF variants in this gene are known to be deleterious (PMID: 20104584, 20301575). It is present in the gnomAD population database (v4.1) at the highest allele frequency in the East Asian subpopulation among non-founder subpopulations (1/44834 alleles, 0.0022%). This variant has been observed in individual(s) with a personal and/or family history of BRCA2-related cancers (PMID: 15024741, 21952622, 22144684, 22535016, 22666503). This variant is present in ClinVar (Accession: VCV000037984.95). In conclusion, this variant has been classified as Pathogenic.